The following is an entry in ClinVar:

NM_001387430.1(SH2B1):c.1898-274G>A

Gene: SH2B1 (SH2B adaptor protein 1; plus strand). Cytogenetic location: 16p11.2.
Variant type: single nucleotide variant.
Coding change: c.1898-274G>A on transcript NM_001387430.1 (MANE Select); 274 bases into the intron before coding-DNA position 1898, G replaced by A.
Molecular consequence: intron variant. On other transcripts: missense variant (5).
Genome position (GRCh38, 1-based): chr16:28,873,173, G>A. VCF-style: chr16-28873173-G-A. GRCh37 (hg19) VCF-style: chr16-28884494-G-A.
Other names: c.1901G>A, p.Arg634Gln (NM_001145796.2, NM_001145812.2, NM_015503.3); c.1954G>A, p.Gly652Arg (NM_001145797.2); c.893G>A, p.Arg298Gln (NM_001308294.2); c.1898-274G>A (NM_001308293.2, NM_001387404.1, NM_001145795.2); short protein forms G652R, R298Q, R634Q.
Identifiers: ClinVar variation 2634510 (VCV002634510.1), dbSNP rs530325833, ClinGen allele CA7986347.

ClinVar aggregate classification (germline): Uncertain significance (1 of 4 stars; one submission).

Conditions:
SH2B1-related disorder. Also called: SH2B1-related condition.

Allele frequency attached by ClinVar (database versions not stated): ExAC 0.00003; gnomAD 0.00003; TOPMed 0.00003; 1000 Genomes Project 30x 0.00016; 1000 Genomes Project 0.00020.
gnomAD v4.1: 23 of 1,563,876 alleles (0.0015%); highest among the groups gnomAD compares: African/African-American, 0.0041%; no homozygotes.

Submission:

PreventionGenetics, part of Exact Sciences
Classification: Uncertain significance for SH2B1-related condition. Last evaluated: 2023-07-05. Review status: criteria provided, single submitter. Criteria: ACMG Guidelines, 2015. Collection method: clinical testing. Allele origin: germline.
Comment: The SH2B1 c.1901G>A variant is predicted to result in the amino acid substitution p.Arg634Gln. To our knowledge, this variant has not been reported in the literature. This variant is reported in 0.0067% of alleles in individuals of East Asian descent in gnomAD. At this time, the clinical significance of this variant is uncertain due to the absence of conclusive functional and genetic evidence.